The following is an entry in ClinVar:

ClinVar aggregate classification (germline): Likely pathogenic (1 of 4 stars; one submission).

Conditions:
X-linked Alport syndrome (ATS1). Also called: NEPHROPATHY AND DEAFNESS, X-LINKED; COL4A5-Related Nephropathy. Identifiers: Orphanet 63, Orphanet 88917, MedGen C4746986, MONDO:0010520, OMIM 301050.

Submission:

Neuberg Centre For Genomic Medicine, NCGM
Classification: Likely pathogenic for X-linked Alport syndrome. Review status: criteria provided, single submitter. Criteria: ACMG Guidelines, 2015. Collection method: clinical testing. Allele origin: germline. Inheritance: X-linked dominant inheritance. Affected: yes.
Comment: The observed stop gained c.382A>T(p.Lys128Ter) variant, lying in splice region of COL4A5 gene has not been reported previously as a pathogenic variant nor a benign variant, to our knowledge. The c.382A>T variant is absent in gnomAD Exomes. This variant has not been submitted to the ClinVar database. The nucleotide change c.382A>T in COL4A5 is predicted as conserved by GERP++ and PhyloP across 100 vertebrates. This sequence change creates a premature translational stop signal (p.Lys128Ter) in the COL4A5 gene. This variant is predicted to cause loss of normal protein function through protein truncation. Loss of function variants have been previously reported to be disease causing. For these reasons, this variant has been classified as Likely Pathogenic.

NM_033380.3(COL4A5):c.382A>T (p.Lys128Ter)

Gene: COL4A5 (collagen type IV alpha 5 chain; plus strand). Cytogenetic location: Xq22.3.
Variant type: single nucleotide variant.
Coding change: c.382A>T on transcript NM_033380.3 (MANE Select); coding-DNA position 382, A replaced by T.
Protein change: p.Lys128Ter; replaces lysine 128 with a stop codon.
Molecular consequence: nonsense.
Genome position (GRCh38, 1-based): chrX:108,568,819, A>T. VCF-style: chrX-108568819-A-T. GRCh37 (hg19) VCF-style: chrX-107812049-A-T.
Other names: c.382A>T, p.Lys128Ter (NM_000495.5); short protein forms K128*.
Identifiers: ClinVar variation 3242083 (VCV003242083.1), dbSNP rs2524197153.